The following is an entry in ClinVar:

ClinVar aggregate classification (germline): Conflicting classifications of pathogenicity. Review status: criteria provided, conflicting classifications (1 of 4 stars). 6 submissions from 6 submitters: Uncertain significance (1); Benign (1); Likely benign (3). 1 of the submissions does not count toward it. Last evaluated 2025-01-24.

Conditions:
SALL1-related disorder. Also called: SALL1-related condition.
Townes syndrome (TBS). Also called: Townes-Brocks syndrome. Identifiers: Orphanet 857, MedGen C0265246, MeSH C536974, MONDO:0007142.
Inborn genetic diseases. Identifiers: MedGen C0950123, MeSH D030342.

Allele frequency attached by ClinVar (database versions not stated): gnomAD exomes 0.00005 and 0.00017; ExAC 0.00023; gnomAD 0.00055 and 0.00058; TOPMed 0.00061; ESP Exome Variant Server 0.00062; 1000 Genomes Project 0.00140; 1000 Genomes Project 30x 0.00141.
gnomAD v4.1: 169 of 1,614,092 alleles (0.01%); highest among the groups gnomAD compares: African/African-American, 0.19%; 1 homozygote.

Submissions (6):

Ambry Genetics
Classification: Uncertain significance for Inborn genetic diseases. Last evaluated: 2025-01-24. Review status: criteria provided, single submitter. Criteria: Ambry Variant Classification Scheme 2023. Collection method: clinical testing. Allele origin: germline.

CeGaT Center for Human Genetics Tuebingen
Classification: Likely benign. Last evaluated: 2023-09-01. Review status: criteria provided, single submitter. Criteria: CeGaT Center For Human Genetics Tuebingen Variant Classification Criteria Version 2. Collection method: clinical testing. Allele origin: germline. Affected: yes. Observed: 1 variant allele.
Comment: SALL1: BP4, BS1

Labcorp Genetics (formerly Invitae), Labcorp
Classification: Likely benign for Townes syndrome. Last evaluated: 2022-06-29. Review status: criteria provided, single submitter. Criteria: Invitae Variant Classification Sherloc (09022015). Collection method: clinical testing. Allele origin: germline.

Eurofins Ntd Llc (ga)
Classification: Likely benign. Last evaluated: 2016-03-01. Review status: criteria provided, single submitter. Criteria: EGL Classification Definitions 2015. Collection method: clinical testing. Allele origin: germline. Observed: 1 variant allele, 1 heterozygote.

GeneDx
Classification: Benign. Last evaluated: 2015-03-03. Review status: criteria provided, single submitter. Criteria: GeneDx Variant Classification Process June 2021. Collection method: clinical testing. Allele origin: germline. Affected: yes.

PreventionGenetics, part of Exact Sciences
Classification: Likely benign for SALL1-related condition. Last evaluated: 2021-02-18. Review status: no assertion criteria provided. Collection method: clinical testing. Allele origin: germline. Not counted in ClinVar's aggregate classification.
Comment: This variant is classified as likely benign based on ACMG/AMP sequence variant interpretation guidelines (Richards et al. 2015 PMID: 25741868, with internal and published modifications).

NM_002968.3(SALL1):c.1903C>T (p.Pro635Ser)

Gene: SALL1 (spalt like transcription factor 1; minus strand). Cytogenetic location: 16q12.1.
Variant type: single nucleotide variant.
Coding change: c.1903C>T on transcript NM_002968.3 (MANE Select); coding-DNA position 1903, C replaced by T.
Protein change: p.Pro635Ser; replaces proline 635 with serine.
Molecular consequence: missense variant.
Genome position (GRCh38, 1-based): chr16:51,140,319, G>A on the plus strand (C>T on the coding strand, the complement: SALL1 is on the minus strand). VCF-style: chr16-51140319-G-A. GRCh37 (hg19) VCF-style: chr16-51174230-G-A.
Other names: c.1612C>T, p.Pro538Ser (NM_001127892.2); short protein forms P635S, P538S.
Identifiers: ClinVar variation 286363 (VCV000286363.43), dbSNP rs61731136, ClinGen allele CA8053209.